The following is an entry in ClinVar:

ClinVar aggregate classification (germline): Likely benign (0 of 4 stars; one submission).

Conditions:
MEIS2-related disorder.

Submission:

PreventionGenetics, part of Exact Sciences
Classification: Likely benign for MEIS2-related condition. Last evaluated: 2019-03-08. Review status: no assertion criteria provided. Collection method: clinical testing. Allele origin: germline.
Comment: This variant is classified as likely benign based on ACMG/AMP sequence variant interpretation guidelines (Richards et al. 2015 PMID: 25741868, with internal and published modifications).

NM_170675.5(MEIS2):c.813T>C (p.Asp271=)

Gene: MEIS2 (Meis homeobox 2; minus strand). Cytogenetic location: 15q14.
Variant type: single nucleotide variant.
Coding change: c.813T>C on transcript NM_170675.5 (MANE Select); coding-DNA position 813, T replaced by C.
Protein change: p.Asp271=; no amino-acid change (aspartic acid 271 retained).
Molecular consequence: synonymous variant. On other transcripts: non-coding transcript variant (1).
Genome position (GRCh38, 1-based): chr15:37,036,901, A>G on the plus strand (T>C on the coding strand, the complement: MEIS2 is on the minus strand). VCF-style: chr15-37036901-A-G. GRCh37 (hg19) VCF-style: chr15-37329102-A-G.
Other names: c.813T>C, p.Asp271= (NM_001220482.2, NM_170674.5, NM_170676.5 and 1 more transcripts); c.774T>C, p.Asp258= (NM_002399.4, NM_172315.3); c.549T>C, p.Asp183= (NM_172316.3).
Identifiers: ClinVar variation 3046663 (VCV003046663.2), dbSNP rs2504981251, ClinGen allele CA489632228.